The following is an entry in ClinVar:

ClinVar aggregate classification (germline): Uncertain significance (1 of 4 stars; one submission).

Conditions:
Inborn genetic diseases. Identifiers: MedGen C0950123, MeSH D030342.

Submission:

Ambry Genetics
Classification: Uncertain significance for Inborn genetic diseases. Last evaluated: 2025-05-19. Review status: criteria provided, single submitter. Criteria: Ambry Variant Classification Scheme 2023. Collection method: clinical testing. Allele origin: germline.
Comment: The c.2157T>A (p.S719R) alteration is located in exon 9 (coding exon 4) of the MBD5 gene. This alteration results from a T to A substitution at nucleotide position 2157, causing the serine (S) at amino acid position 719 to be replaced by an arginine (R). This variant was not reported in population-based cohorts in the Genome Aggregation Database (gnomAD). This amino acid position is well conserved in available vertebrate species. The in silico prediction for this alteration is inconclusive. Based on insufficient or conflicting evidence, the clinical significance of this alteration remains unclear.

NM_001378120.1(MBD5):c.2157T>A (p.Ser719Arg)

Gene: MBD5 (methyl-CpG binding domain protein 5; plus strand). Cytogenetic location: 2q23.1.
Variant type: single nucleotide variant.
Coding change: c.2157T>A on transcript NM_001378120.1 (MANE Select); coding-DNA position 2157, T replaced by A.
Protein change: p.Ser719Arg; replaces serine 719 with arginine.
Molecular consequence: missense variant.
Genome position (GRCh38, 1-based): chr2:148,470,100, T>A. VCF-style: chr2-148470100-T-A. GRCh37 (hg19) VCF-style: chr2-149227669-T-A.
Other names: c.2157T>A, p.Ser719Arg (NM_018328.5); short protein forms S719R.
Identifiers: ClinVar variation 3870961 (VCV003870961.2).
Genomic context (GRCh38, chr2:148,470,100, plus strand): 5'-TTCAATGTCTCAGTTACTACAGTCTATGAGTTGTCAAAGCTCTCACTTGAGTAGCAATAG[T>A]ACCCCGGGTTGTGGGGCCTCAAATACTGCTTTGCCTTGCTCTGCTAACCAGCTGCATTTT-3'
Protein context (NP_001365049.1, residues 709-729): SCQSSHLSSN[Ser719Arg]TPGCGASNTA